The following is an entry in ClinVar:

NM_007255.3(B4GALT7):c.128TCT[1] (p.Phe44del)

Gene: B4GALT7 (beta-1,4-galactosyltransferase 7; plus strand). Cytogenetic location: 5q35.3.
Variant type: Microsatellite.
Coding change: c.128TCT[1] on transcript NM_007255.3 (MANE Select); one copy of the 3-base unit TCT starting at c.128; the reference has two copies in a row; one copy, 3 bases deleted.
Protein change: p.Phe44del; deletes phenylalanine 44.
Molecular consequence: inframe deletion.
Genome position (GRCh38, 1-based): chr5:177,604,259-177,604,261, TCT deleted; deleting any 3 consecutive bases within chr5:177,604,254-177,604,261 gives the same sequence; the position shown is the placement nearest the transcript's 3' end. VCF-style (leftmost placement, unchanged base first): chr5-177604253-GCTT-G. GRCh37 (hg19) VCF-style: chr5-177031254-GCTT-G.
Other names: short protein forms F44del.
Identifiers: ClinVar variation 1460501 (VCV001460501.8), dbSNP rs762698149, ClinGen allele CA3586384.

ClinVar aggregate classification (germline): Uncertain significance (1 of 4 stars; one submission).

Conditions:
Spondylodysplastic Ehlers-Danlos syndrome. Identifiers: Orphanet 536471, Orphanet 75496, MedGen C5680154, MONDO:0007526.

Submission:

Labcorp Genetics (formerly Invitae), Labcorp
Classification: Uncertain significance for Spondylodysplastic Ehlers-Danlos syndrome. Last evaluated: 2023-07-10. Review status: criteria provided, single submitter. Criteria: Invitae Variant Classification Sherloc (09022015). Collection method: clinical testing. Allele origin: germline.
Comment: This variant, c.131_133del, results in the deletion of 1 amino acid(s) of the B4GALT7 protein (p.Phe44del), but otherwise preserves the integrity of the reading frame. This variant is present in population databases (rs762698149, gnomAD 0.006%). This variant has not been reported in the literature in individuals affected with B4GALT7-related conditions. Experimental studies and prediction algorithms are not available or were not evaluated, and the functional significance of this variant is currently unknown. In summary, the available evidence is currently insufficient to determine the role of this variant in disease. Therefore, it has been classified as a Variant of Uncertain Significance.